The following is an entry in ClinVar:

ClinVar aggregate classification (germline): Benign. Review status: criteria provided, multiple submitters, no conflicts (2 of 4 stars). 7 submissions from 7 submitters: Benign (7). Last evaluated 2026-01-27.

Conditions:
Multiple cutaneous and mucosal venous malformations (VMCM). Also called: TEK-Related Multiple Cutaneous and Mucosal Venous Malformations (VMCM). Identifiers: Orphanet 2451, MedGen C1838437, MONDO:0010842, OMIM 600195.

Allele frequency attached by ClinVar (database versions not stated): gnomAD 0.21638 and 0.22124; TOPMed 0.22225; 1000 Genomes Project 0.22424; ESP Exome Variant Server 0.22459; 1000 Genomes Project 30x 0.22767.
gnomAD v4.1: 276,650 of 1,613,578 alleles (17%); highest among the groups gnomAD compares: African/African-American, 36%; 25,744 homozygotes.

Submissions (7):

Labcorp Genetics (formerly Invitae), Labcorp
Classification: Benign. Last evaluated: 2026-01-27. Review status: criteria provided, single submitter. Criteria: Invitae Variant Classification Sherloc (09022015). Collection method: clinical testing. Allele origin: germline.

ARUP Laboratories, Molecular Genetics and Genomics, ARUP Laboratories
Classification: Benign. Last evaluated: 2025-07-07. Review status: criteria provided, single submitter. Criteria: ARUP Molecular Germline Variant Investigation Process 2024. Collection method: clinical testing. Allele origin: germline.

Blueprint Genetics
Classification: Benign. Last evaluated: 2024-11-27. Review status: criteria provided, single submitter. Criteria: ACMG Guidelines, 2015. Collection method: clinical testing. Allele origin: germline.

Mayo Clinic Laboratories, Mayo Clinic
Classification: Benign. Last evaluated: 2022-04-26. Review status: criteria provided, single submitter. Criteria: ACMG Guidelines, 2015. Collection method: clinical testing. Allele origin: germline. Observed: 289 variant alleles.

GeneDx
Classification: Benign. Last evaluated: 2020-01-15. Review status: criteria provided, single submitter. Criteria: GeneDx Variant Classification Process June 2021. Collection method: clinical testing. Allele origin: germline. Affected: yes.

Illumina Laboratory Services, Illumina
Classification: Benign for Multiple cutaneous and mucosal venous malformations. Last evaluated: 2018-01-12. Review status: criteria provided, single submitter. Criteria: ICSL Variant Classification Criteria 13 December 2019. Collection method: clinical testing. Allele origin: germline.
Comment: This variant was observed in the ICSL laboratory as part of a predisposition screen in an ostensibly healthy population. It had not been previously curated by ICSL or reported in the Human Gene Mutation Database (HGMD: prior to June 1st, 2018), and was therefore a candidate for classification through an automated scoring system. Utilizing variant allele frequency, disease prevalence and penetrance estimates, and inheritance mode, an automated score was calculated to assess if this variant is too frequent to cause the disease. Based on the score and internal cut-off values, a variant classified as benign is not then subjected to further curation. The score for this variant resulted in a classification of benign for this disease.

Breakthrough Genomics
Classification: Benign. Review status: criteria provided, single submitter. Criteria: ACMG Guidelines, 2015. Collection method: not provided. Allele origin: germline. Inheritance: Autosomal dominant inheritance. Affected: yes.

NM_000459.5(TEK):c.3123G>A (p.Gly1041=)

Gene: TEK (TEK receptor tyrosine kinase; plus strand). Cytogenetic location: 9p21.2.
Variant type: single nucleotide variant.
Coding change: c.3123G>A on transcript NM_000459.5 (MANE Select); coding-DNA position 3123, G replaced by A.
Protein change: p.Gly1041=; no amino-acid change (glycine 1041 retained).
Molecular consequence: synonymous variant.
Genome position (GRCh38, 1-based): chr9:27,220,068, G>A. VCF-style: chr9-27220068-G-A. GRCh37 (hg19) VCF-style: chr9-27220066-G-A.
Other names: p.Gly1041=; c.2994G>A, p.Gly998= (NM_001290077.2); c.2679G>A, p.Gly893= (NM_001290078.2); c.3120G>A, p.Gly1040= (NM_001375475.1); c.2991G>A, p.Gly997= (NM_001375476.1).
Identifiers: ClinVar variation 366450 (VCV000366450.29), dbSNP rs2273719, ClinGen allele CA5016752.